The following is an entry in ClinVar:

ClinVar aggregate classification (germline): Pathogenic (1 of 4 stars; one submission).

Conditions:
MEGF10-related myopathy (CMYO10A). Also called: Congenital myopathy 10A, severe variant. Identifiers: Orphanet 439212, MedGen C3280679, MONDO:0013731, OMIM 614399.

gnomAD v4.1: 1 of 1,613,958 alleles (0.000062%); highest among the groups gnomAD compares: Non-Finnish European, 0.000085%; no homozygotes.

Submission:

Labcorp Genetics (formerly Invitae), Labcorp
Classification: Pathogenic for MEGF10-related myopathy. Last evaluated: 2024-06-06. Review status: criteria provided, single submitter. Criteria: Invitae Variant Classification Sherloc (09022015). Collection method: clinical testing. Allele origin: germline.
Comment: This sequence change creates a premature translational stop signal (p.Ser1053*) in the MEGF10 gene. It is expected to result in an absent or disrupted protein product. Loss-of-function variants in MEGF10 are known to be pathogenic (PMID: 22101682, 22371254, 23453856, 23954233). This variant is not present in population databases (gnomAD no frequency). This variant has not been reported in the literature in individuals affected with MEGF10-related conditions. For these reasons, this variant has been classified as Pathogenic.

Literature cited by the submitters: PubMed 22101682; PubMed 22371254; PubMed 23453856; PubMed 23954233.

NM_001256545.2(MEGF10):c.3158C>A (p.Ser1053Ter)

Gene: MEGF10 (multiple EGF like domains 10; plus strand). Cytogenetic location: 5q23.2.
Variant type: single nucleotide variant.
Coding change: c.3158C>A on transcript NM_001256545.2 (MANE Select); coding-DNA position 3158, C replaced by A.
Protein change: p.Ser1053Ter; replaces serine 1053 with a stop codon.
Molecular consequence: nonsense.
Genome position (GRCh38, 1-based): chr5:127,455,533, C>A. VCF-style: chr5-127455533-C-A. GRCh37 (hg19) VCF-style: chr5-126791225-C-A.
Other names: c.3158C>A, p.Ser1053Ter (NM_032446.3); short protein forms S1053*.
Identifiers: ClinVar variation 3655800 (VCV003655800.2).